The following is an entry in ClinVar:

NM_001128228.3(TPRN):c.1320C>G (p.Gly440=)

Gene: TPRN (taperin; minus strand). Cytogenetic location: 9q34.3.
Variant type: single nucleotide variant.
Coding change: c.1320C>G on transcript NM_001128228.3 (MANE Select); coding-DNA position 1320, C replaced by G.
Protein change: p.Gly440=; no amino-acid change (glycine 440 retained).
Molecular consequence: synonymous variant.
Genome position (GRCh38, 1-based): chr9:137,199,392, G>C on the plus strand (C>G on the coding strand, the complement: TPRN is on the minus strand). VCF-style: chr9-137199392-G-C. GRCh37 (hg19) VCF-style: chr9-140093844-G-C.
Identifiers: ClinVar variation 1712554 (VCV001712554.2), dbSNP rs150751181, ClinGen allele CA201721078.

ClinVar aggregate classification (germline): Uncertain significance (1 of 4 stars; one submission).

Allele frequency attached by ClinVar (database versions not stated): TOPMed 0.00001; ESP Exome Variant Server 0.00008.
gnomAD v4.1: 16 of 1,612,712 alleles (0.00099%); highest among the groups gnomAD compares: Non-Finnish European, 0.0012%; no homozygotes.

Submission:

GeneDx
Classification: Uncertain significance. Last evaluated: 2022-04-26. Review status: criteria provided, single submitter. Criteria: GeneDx Variant Classification Process June 2021. Collection method: clinical testing. Allele origin: germline. Affected: yes.
Comment: Not observed at significant frequency in large population cohorts (gnomAD); In silico analysis supports that this variant does not alter splicing; Has not been previously published as pathogenic or benign to our knowledge